The following is an entry in ClinVar:

NM_000089.4(COL1A2):c.1279G>A (p.Gly427Ser)

Gene: COL1A2 (collagen type I alpha 2 chain; plus strand). Cytogenetic location: 7q21.3.
Variant type: single nucleotide variant.
Coding change: c.1279G>A on transcript NM_000089.4 (MANE Select); coding-DNA position 1279, G replaced by A.
Protein change: p.Gly427Ser; replaces glycine 427 with serine.
Molecular consequence: missense variant.
Genome position (GRCh38, 1-based): chr7:94,411,083, G>A. VCF-style: chr7-94411083-G-A. GRCh37 (hg19) VCF-style: chr7-94040395-G-A.
Other names: short protein forms G427S.
Identifiers: ClinVar variation 2925409 (VCV002925409.4), dbSNP rs72658113, ClinGen allele CA162921999.

ClinVar aggregate classification (germline): Pathogenic. Review status: criteria provided, multiple submitters, no conflicts (2 of 4 stars). 2 submissions from 2 submitters: Pathogenic (2). Last evaluated 2025-07-16.

Conditions:
Osteogenesis imperfecta with normal sclerae, dominant form (OI4). Also called: Osteogenesis Imperfecta Type IV; OSTEOGENESIS IMPERFECTA, TYPE IV, WITH DENTINOGENESIS IMPERFECTA; OSTEOGENESIS IMPERFECTA WITH NORMAL SCLERAE; Osteogenesis imperfecta type 4; Common Variable Osteogenesis Imperfecta with Normal Sclerae. Identifiers: Orphanet 216820, Orphanet 666, MedGen C0268363, MONDO:0008148, OMIM 166220.
Osteogenesis imperfecta type I (OI1). Also called: Lobstein disease; OI, TYPE I; OSTEOGENESIS IMPERFECTA TARDA; OSTEOGENESIS IMPERFECTA WITH BLUE SCLERAE; Osteogenesis imperfecta type 1; Lobstein's Disease. Identifiers: Orphanet 216796, Orphanet 666, MedGen C0023931, MONDO:0008146, OMIM 166200. Disease mechanism: loss of function.
Ehlers-Danlos syndrome, classic type, 1 (EDSCL1). Also called: EDS I; EHLERS-DANLOS SYNDROME, GRAVIS TYPE; EHLERS-DANLOS SYNDROME, SEVERE CLASSIC TYPE; Ehlers-Danlos syndrome, type 1; Ehlers-Danlos Syndrome, Classic Type, COL5A1-Related. Identifiers: MedGen C0268335, MONDO:0019567, OMIM 130000.

Submissions (2):

Clinical Biomedical Laboratory, Shriners Hospital For Children - Canada
Classification: Pathogenic for Osteogenesis imperfecta with normal sclerae, dominant form. Last evaluated: 2025-07-16. Review status: criteria provided, single submitter. Criteria: ACMG Guidelines, 2015. Collection method: clinical testing. Allele origin: germline. Affected: yes.
Comment: This variant is predicted to substitute a glycine residue by a serine residue in the alpha 2 chain of collagen type I. Glycine substitutions in the triple helical domain of collagen type I cause disruption in the formation of the triple helix in the collagen molecule and are a typical cause of osteogenesis imperfecta.This variant is is absent from the Genome Aggregation Database v.2.1.1, indicating it is very rare. This variant has been reported in the literature (PMID: 17078022). Prediction tools (REVEL 0.97) suggest that the change is detrimental to protein function.

Labcorp Genetics (formerly Invitae), Labcorp
Classification: Pathogenic for Osteogenesis imperfecta type I; Ehlers-Danlos syndrome, classic type, 1. Last evaluated: 2023-09-21. Review status: criteria provided, single submitter. Criteria: Invitae Variant Classification Sherloc (09022015). Collection method: clinical testing. Allele origin: germline.
Comment: For these reasons, this variant has been classified as Pathogenic. This variant disrupts the triple helix domain of COL1A2. Glycine residues within the Gly-Xaa-Yaa repeats of the triple helix domain are required for the structure and stability of fibrillar collagens (PMID: 7695699, 8218237, 19344236). In COL1A2, variants affecting these glycine residues are significantly enriched in individuals with disease (PMID: 9016532, 17078022) compared to the general population (ExAC). Advanced modeling of protein sequence and biophysical properties (such as structural, functional, and spatial information, amino acid conservation, physicochemical variation, residue mobility, and thermodynamic stability) performed at Invitae indicates that this missense variant is expected to disrupt COL1A2 protein function. This missense change has been observed in individuals with autosomal dominant osteogenesis imperfecta (PMID: 17078022). This variant is not present in population databases (gnomAD no frequency). This sequence change replaces glycine, which is neutral and non-polar, with serine, which is neutral and polar, at codon 427 of the COL1A2 protein (p.Gly427Ser).

Literature cited by the submitters: PubMed 17078022 (cited by Clinical Biomedical Laboratory, Shriners Hospital For Children - Canada and Labcorp Genetics (formerly Invitae), Labcorp); PubMed 7695699 (cited by Labcorp Genetics (formerly Invitae), Labcorp); PubMed 8218237 (cited by Labcorp Genetics (formerly Invitae), Labcorp); PubMed 19344236 (cited by Labcorp Genetics (formerly Invitae), Labcorp); PubMed 9016532 (cited by Labcorp Genetics (formerly Invitae), Labcorp).